The following is an entry in ClinVar:

ClinVar aggregate classification (germline): Benign (1 of 4 stars; one submission).

Conditions:
Pheochromocytoma. Also called: MAX-Related Hereditary Paraganglioma-Pheochromocytoma Syndrome. Identifiers: Orphanet 29072, MedGen C0031511, MONDO:0008233, OMIM 171300, HP:0002666.

Allele frequency attached by ClinVar (database versions not stated): gnomAD 0.00049 and 0.00066; TOPMed 0.00116; 1000 Genomes Project 0.00339; 1000 Genomes Project 30x 0.00359; gnomAD exomes 0.00373.
gnomAD v4.1: 380 of 231,956 alleles (0.16%); highest among the groups gnomAD compares: East Asian, 2.2%; 2 homozygotes.

Submission:

Illumina Laboratory Services, Illumina
Classification: Benign for Pheochromocytoma. Last evaluated: 2018-01-13. Review status: criteria provided, single submitter. Criteria: ICSL Variant Classification Criteria 13 December 2019. Collection method: clinical testing. Allele origin: germline.
Comment: This variant was observed in the ICSL laboratory as part of a predisposition screen in an ostensibly healthy population. It had not been previously curated by ICSL or reported in the Human Gene Mutation Database (HGMD: prior to June 1st, 2018), and was therefore a candidate for classification through an automated scoring system. Utilizing variant allele frequency, disease prevalence and penetrance estimates, and inheritance mode, an automated score was calculated to assess if this variant is too frequent to cause the disease. Based on the score and internal cut-off values, a variant classified as benign is not then subjected to further curation. The score for this variant resulted in a classification of benign for this disease.

NM_017849.4(TMEM127):c.*2966C>G

Gene: TMEM127 (transmembrane protein 127; minus strand). Cytogenetic location: 2q11.2.
Variant type: single nucleotide variant.
Coding change: c.*2966C>G on transcript NM_017849.4 (MANE Select); 2966 bases downstream of the stop codon, C replaced by G.
Molecular consequence: 3 prime UTR variant.
Genome position (GRCh38, 1-based): chr2:96,250,842, G>C on the plus strand (C>G on the coding strand, the complement: TMEM127 is on the minus strand). VCF-style: chr2-96250842-G-C. GRCh37 (hg19) VCF-style: chr2-96916580-G-C.
Other names: c.*2966C>G (NM_001193304.3).
Identifiers: ClinVar variation 337452 (VCV000337452.5), dbSNP rs17119378, ClinGen allele CA10614147.